The following is an entry in ClinVar:

ClinVar aggregate classification (germline): Pathogenic (1 of 4 stars; one submission).

Conditions:
Primary ciliary dyskinesia 23 (CILD23). Also called: CILIARY DYSKINESIA, PRIMARY, 23, WITH OR WITHOUT SITUS INVERSUS. Identifiers: Orphanet 244, MedGen C3809548, MONDO:0014193, OMIM 615451.

gnomAD v4.1: 1 of 1,614,140 alleles (0.000062%); highest among the groups gnomAD compares: Non-Finnish European, 0.000085%; no homozygotes.

Submission:

Labcorp Genetics (formerly Invitae), Labcorp
Classification: Pathogenic for Primary ciliary dyskinesia 23. Last evaluated: 2025-08-02. Review status: criteria provided, single submitter. Criteria: Invitae Variant Classification Sherloc (09022015). Collection method: clinical testing. Allele origin: germline.
Comment: This sequence change creates a premature translational stop signal (p.Cys486*) in the ARMC4 gene. It is expected to result in an absent or disrupted protein product. Loss-of-function variants in ARMC4 are known to be pathogenic (PMID: 23849778). This variant is not present in population databases (gnomAD no frequency). This variant has not been reported in the literature in individuals affected with ARMC4-related conditions. For these reasons, this variant has been classified as Pathogenic.

Literature cited by the submitters: PubMed 23849778.

NM_018076.5(ODAD2):c.1458C>A (p.Cys486Ter)

Gene: ODAD2 (outer dynein arm docking complex subunit 2; minus strand). Cytogenetic location: 10p12.1.
Variant type: single nucleotide variant.
Coding change: c.1458C>A on transcript NM_018076.5 (MANE Select); coding-DNA position 1458, C replaced by A.
Protein change: p.Cys486Ter; replaces cysteine 486 with a stop codon.
Molecular consequence: nonsense.
Genome position (GRCh38, 1-based): chr10:27,944,891, G>T on the plus strand (C>A on the coding strand, the complement: ODAD2 is on the minus strand). VCF-style: chr10-27944891-G-T. GRCh37 (hg19) VCF-style: chr10-28233820-G-T.
Other names: c.1458C>A, p.Cys486Ter (NM_001290020.2); c.33C>A, p.Cys11Ter (NM_001290021.2); c.534C>A, p.Cys178Ter (NM_001312689.2); short protein forms C11*, C486*, C178*.
Identifiers: ClinVar variation 4718005 (VCV004718005.1).